The following is an entry in ClinVar:

NM_024721.5(ZFHX4):c.3032T>G (p.Val1011Gly)

Gene: ZFHX4 (zinc finger homeobox 4; plus strand). Cytogenetic location: 8q21.13.
Variant type: single nucleotide variant.
Coding change: c.3032T>G on transcript NM_024721.5 (MANE Select); coding-DNA position 3032, T replaced by G.
Protein change: p.Val1011Gly; replaces valine 1011 with glycine.
Molecular consequence: missense variant.
Genome position (GRCh38, 1-based): chr8:76,707,987, T>G. VCF-style: chr8-76707987-T-G. GRCh37 (hg19) VCF-style: chr8-77620222-T-G.
Other names: c.2954T>G, p.Val985Gly (NM_001410934.1); short protein forms V1011G, V985G.
Identifiers: ClinVar variation 3900267 (VCV003900267.1).

ClinVar aggregate classification (germline): Uncertain significance (1 of 4 stars; one submission).

Submission:

GeneDx
Classification: Uncertain significance. Last evaluated: 2022-06-23. Review status: criteria provided, single submitter. Criteria: GeneDx Variant Classification Process June 2021. Collection method: clinical testing. Allele origin: germline. Affected: yes.
Comment: Not observed at significant frequency in large population cohorts (gnomAD); In silico analysis supports that this missense variant has a deleterious effect on protein structure/function; Has not been previously published as pathogenic or benign to our knowledge; Variants in candidate genes are classified as variants of uncertain significance in accordance with ACMG guidelines (Richards et al., 2015)